The following is an entry in ClinVar:

NM_017739.4(POMGNT1):c.1615G>A (p.Glu539Lys)

Genes: POMGNT1 (protein O-linked mannose N-acetylglucosaminyltransferase 1 (beta 1,2-); minus strand), TSPAN1 (tetraspanin 1; plus strand). Cytogenetic location: 1p34.1.
Variant type: single nucleotide variant.
Coding change: c.1615G>A on transcript NM_017739.4 (MANE Select); coding-DNA position 1615, G replaced by A.
Protein change: p.Glu539Lys; replaces glutamic acid 539 with lysine.
Molecular consequence: missense variant.
Genome position (GRCh38, 1-based): chr1:46,190,507, C>T on the plus strand (G>A on the coding strand, the complement: POMGNT1 is on the minus strand). VCF-style: chr1-46190507-C-T. GRCh37 (hg19) VCF-style: chr1-46656179-C-T.
Other names: c.1615G>A, p.Glu539Lys (NM_001243766.2, NM_001410783.1); c.1549G>A, p.Glu517Lys (NM_001290129.3); c.1186G>A, p.Glu396Lys (NM_001290130.2); short protein forms E539K, E396K, E517K.
Identifiers: ClinVar variation 1042139 (VCV001042139.9), dbSNP rs1657679725, ClinGen allele CA340171825.

ClinVar aggregate classification (germline): Uncertain significance (1 of 4 stars; one submission).

Conditions:
Autosomal recessive limb-girdle muscular dystrophy type 2O. Also called: Limb-Girdle Muscular Dystrophy Type 3C; MUSCULAR DYSTROPHY-DYSTROGLYCANOPATHY (LIMB-GIRDLE), TYPE C, 3; MUSCULAR DYSTROPHY-DYSTROGLYCANOPATHY, LIMB-GIRDLE, POMGNT1-RELATED. Identifiers: Orphanet 206564, MedGen C3150417, MONDO:0013161, OMIM 613157.
Muscular dystrophy-dystroglycanopathy (congenital with impaired intellectual development), type B, 3. Also called: MUSCULAR DYSTROPHY, CONGENITAL, POMGNT1-RELATED; Muscular dystrophy-dystroglycanopathy (congenital with intellectual disability), type B3. Identifiers: MedGen C3150412, MONDO:0013155, OMIM 613151.

Submission:

Labcorp Genetics (formerly Invitae), Labcorp
Classification: Uncertain significance for Autosomal recessive limb-girdle muscular dystrophy type 2O; Muscular dystrophy-dystroglycanopathy (congenital with impaired intellectual development), type B, 3. Last evaluated: 2020-05-29. Review status: criteria provided, single submitter. Criteria: Invitae Variant Classification Sherloc (09022015). Collection method: clinical testing. Allele origin: germline.
Comment: This sequence change replaces glutamic acid with lysine at codon 539 of the POMGNT1 protein (p.Glu539Lys). The glutamic acid residue is moderately conserved and there is a small physicochemical difference between glutamic acid and lysine. This variant is not present in population databases (ExAC no frequency). This variant has not been reported in the literature in individuals with POMGNT1-related conditions. Algorithms developed to predict the effect of missense changes on protein structure and function are either unavailable or do not agree on the potential impact of this missense change (SIFT: "Deleterious"; PolyPhen-2: "Benign"; Align-GVGD: "Class C15"). In summary, the available evidence is currently insufficient to determine the role of this variant in disease. Therefore, it has been classified as a Variant of Uncertain Significance.